The following is an entry in ClinVar:

NM_001164508.2(NEB):c.20974A>G (p.Lys6992Glu)

Gene: NEB (nebulin; minus strand). Cytogenetic location: 2q23.3.
Variant type: single nucleotide variant.
Coding change: c.20974A>G on transcript NM_001164508.2 (MANE Select); coding-DNA position 20974, A replaced by G.
Protein change: p.Lys6992Glu; replaces lysine 6992 with glutamic acid.
Molecular consequence: missense variant.
Genome position (GRCh38, 1-based): chr2:151,538,163, T>C on the plus strand (A>G on the coding strand, the complement: NEB is on the minus strand). VCF-style: chr2-151538163-T-C. GRCh37 (hg19) VCF-style: chr2-152394677-T-C.
Other names: c.20974A>G, p.Lys6992Glu (NM_001164507.2, NM_001271208.2); c.15871A>G, p.Lys5291Glu (NM_004543.5); short protein forms K5291E, K6992E.
Identifiers: ClinVar variation 2077378 (VCV002077378.4), dbSNP rs754700207, ClinGen allele CA1907115.

ClinVar aggregate classification (germline): Uncertain significance (1 of 4 stars; one submission).

Conditions:
Nemaline myopathy 2 (NEM2). Also called: Nemaline myopathy 2, autosomal recessive. Identifiers: MedGen C1850569, MONDO:0009725, OMIM 256030.

Allele frequency attached by ClinVar (database versions not stated): gnomAD exomes below 0.00001; ExAC 0.00001.
gnomAD v4.1: 2 of 1,611,294 alleles (0.00012%); highest among the groups gnomAD compares: Non-Finnish European, 0.00017%; no homozygotes.

Submission:

Labcorp Genetics (formerly Invitae), Labcorp
Classification: Uncertain significance for Nemaline myopathy 2. Last evaluated: 2022-01-07. Review status: criteria provided, single submitter. Criteria: Invitae Variant Classification Sherloc (09022015). Collection method: clinical testing. Allele origin: germline.
Comment: Algorithms developed to predict the effect of missense changes on protein structure and function are either unavailable or do not agree on the potential impact of this missense change (SIFT: "Deleterious"; PolyPhen-2: "Not Available"; Align-GVGD: "Class C0"). This variant has not been reported in the literature in individuals affected with NEB-related conditions. This variant is present in population databases (rs754700207, gnomAD 0.003%). This sequence change replaces lysine, which is basic and polar, with glutamic acid, which is acidic and polar, at codon 6992 of the NEB protein (p.Lys6992Glu). In summary, the available evidence is currently insufficient to determine the role of this variant in disease. Therefore, it has been classified as a Variant of Uncertain Significance.